The following is an entry in ClinVar:

ClinVar aggregate classification (germline): Likely benign. Review status: criteria provided, multiple submitters, no conflicts (2 of 4 stars). 2 submissions from 2 submitters: Likely benign (2). Last evaluated 2024-07-16.

Conditions:
Chédiak-Higashi syndrome (CHS). Also called: Chediak-Higashi Syndrome. Identifiers: Orphanet 167, MedGen C0007965, MONDO:0008963, OMIM 214500.

Allele frequency attached by ClinVar (database versions not stated): TOPMed below 0.00001; gnomAD 0.00001; gnomAD exomes 0.00004.
gnomAD v4.1: 57 of 1,613,934 alleles (0.0035%); highest among the groups gnomAD compares: Non-Finnish European, 0.0047%; no homozygotes.

Submissions (2):

Women's Health and Genetics/Laboratory Corporation of America, LabCorp
Classification: Likely benign. Last evaluated: 2024-07-16. Review status: criteria provided, single submitter. Criteria: LabCorp Variant Classification Summary - May 2015. Collection method: clinical testing. Allele origin: germline.
Comment: Variant summary: LYST c.9738C>T alters a conserved nucleotide resulting in a synonymous change. Consensus agreement among computation tools predict no significant impact on normal splicing. However, these predictions have yet to be confirmed by functional studies. The variant was absent in 251336 control chromosomes. The available data on variant occurrences in the general population are insufficient to allow any conclusion about variant significance. To our knowledge, no occurrence of c.9738C>T in individuals affected with Chediak-Higashi Syndrome and no experimental evidence demonstrating its impact on protein function have been reported. ClinVar contains an entry for this variant (Variation ID: 2744798). Based on the evidence outlined above, the variant was classified as likely benign.

Labcorp Genetics (formerly Invitae), Labcorp
Classification: Likely benign for Chédiak-Higashi syndrome. Last evaluated: 2023-12-23. Review status: criteria provided, single submitter. Criteria: Invitae Variant Classification Sherloc (09022015). Collection method: clinical testing. Allele origin: germline.

NM_000081.4(LYST):c.9738C>T (p.Phe3246=)

Gene: LYST (lysosomal trafficking regulator; minus strand). Cytogenetic location: 1q42.3.
Variant type: single nucleotide variant.
Coding change: c.9738C>T on transcript NM_000081.4 (MANE Select); coding-DNA position 9738, C replaced by T.
Protein change: p.Phe3246=; no amino-acid change (phenylalanine 3246 retained).
Molecular consequence: synonymous variant.
Genome position (GRCh38, 1-based): chr1:235,715,247, G>A on the plus strand (C>T on the coding strand, the complement: LYST is on the minus strand). VCF-style: chr1-235715247-G-A. GRCh37 (hg19) VCF-style: chr1-235878547-G-A.
Other names: c.9738C>T, p.Phe3246= (NM_001301365.1).
Identifiers: ClinVar variation 2744798 (VCV002744798.4), dbSNP rs763274434, ClinGen allele CA39598904.
Genomic context (GRCh38, chr1:235,715,247, plus strand): 5'-TATTAAATTCTTACCTTGATAGGCTAAAAACATTTTAGTGAAAGGAGGCATCCTGACCAG[G>A]AAGTGAAGCACAGTGCCGCTATTGGAATAGTGGGAGCCATAGTGATAGGGCTGCACGGGA-3'
Protein context (NP_000072.2, residues 3236-3256): HYSNSGTVLH[Phe3246=]LVRMPPFTKM